The following is an entry in ClinVar:

NM_001042492.3(NF1):c.7157T>C (p.Phe2386Ser)

Gene: NF1 (neurofibromin 1; plus strand). Cytogenetic location: 17q11.2.
Variant type: single nucleotide variant.
Coding change: c.7157T>C on transcript NM_001042492.3 (MANE Select); coding-DNA position 7157, T replaced by C.
Protein change: p.Phe2386Ser; replaces phenylalanine 2386 with serine.
Molecular consequence: missense variant.
Genome position (GRCh38, 1-based): chr17:31,343,103, T>C. VCF-style: chr17-31343103-T-C. GRCh37 (hg19) VCF-style: chr17-29670121-T-C.
Other names: c.7094T>C, p.Phe2365Ser (NM_000267.4); short protein forms F2365S, F2386S.
Identifiers: ClinVar variation 547692 (VCV000547692.7), dbSNP rs1555535439, ClinGen allele CA399015718.

ClinVar aggregate classification (germline): Conflicting classifications of pathogenicity. Review status: criteria provided, conflicting classifications (1 of 4 stars). 3 submissions from 3 submitters: Pathogenic (1); Uncertain significance (2). Last evaluated 2026-08-02.

Conditions:
Cardiovascular phenotype. Identifiers: MedGen CN230736.
Hereditary cancer-predisposing syndrome. Also called: Hereditary Cancer Syndrome; Tumor predisposition; Hereditary neoplastic syndrome; Neoplastic Syndromes, Hereditary. Identifiers: Orphanet 140162, MedGen C0027672, MeSH D009386, MONDO:0015356.
Neurofibromatosis, type 1 (NF1). Also called: Peripheral type neurofibromatosis; Neurofibromatosis, type I; VON RECKLINGHAUSEN DISEASE; NEUROFIBROMATOSIS, TYPE I, SOMATIC. Identifiers: Orphanet 636, MedGen C0027831, MONDO:0018975, OMIM 162200. Disease mechanism: loss of function.

Submissions (3):

Ambry Genetics
Classification: Uncertain significance for Cardiovascular phenotype; Hereditary cancer-predisposing syndrome. Last evaluated: 2026-08-02. Review status: criteria provided, single submitter. Criteria: Ambry Variant Classification Scheme 2023. Collection method: clinical testing. Allele origin: germline.
Comment: The p.F2365S variant (also known as c.7094T>C), located in coding exon 47 of the NF1 gene, results from a T to C substitution at nucleotide position 7094. The phenylalanine at codon 2365 is replaced by serine, an amino acid with highly dissimilar properties. This amino acid position is conserved. In addition, this alteration is predicted to be deleterious by in silico analysis. Based on the available evidence, the clinical significance of this variant remains unclear.

Labcorp Genetics (formerly Invitae), Labcorp
Classification: Pathogenic for Neurofibromatosis, type 1. Last evaluated: 2022-11-06. Review status: criteria provided, single submitter. Criteria: Invitae Variant Classification Sherloc (09022015). Collection method: clinical testing. Allele origin: germline.
Comment: For these reasons, this variant has been classified as Pathogenic. This variant disrupts the p.Phe2365 amino acid residue in NF1. Other variant(s) that disrupt this residue have been determined to be pathogenic (Invitae). This suggests that this residue is clinically significant, and that variants that disrupt this residue are likely to be disease-causing. Advanced modeling of protein sequence and biophysical properties (such as structural, functional, and spatial information, amino acid conservation, physicochemical variation, residue mobility, and thermodynamic stability) performed at Invitae indicates that this missense variant is expected to disrupt NF1 protein function. ClinVar contains an entry for this variant (Variation ID: 547692). This missense change has been observed in individual(s) with neurofibromatosis type 1 (Invitae). This variant is not present in population databases (gnomAD no frequency). This sequence change replaces phenylalanine, which is neutral and non-polar, with serine, which is neutral and polar, at codon 2365 of the NF1 protein (p.Phe2365Ser).

Center for Human Genetics, Inc
Classification: Uncertain significance for Neurofibromatosis, type 1. Last evaluated: 2016-11-01. Review status: criteria provided, single submitter. Criteria: ACMG Guidelines, 2015. Collection method: clinical testing. Allele origin: germline. Affected: yes.